The following is an entry in ClinVar:

NM_032119.4(ADGRV1):c.2899-42T>C

Gene: ADGRV1 (adhesion G protein-coupled receptor V1; plus strand). Cytogenetic location: 5q14.3.
Variant type: single nucleotide variant.
Coding change: c.2899-42T>C on transcript NM_032119.4 (MANE Select); 42 bases into the intron before coding-DNA position 2899, T replaced by C.
Molecular consequence: intron variant.
Genome position (GRCh38, 1-based): chr5:90,645,926, T>C. VCF-style: chr5-90645926-T-C. GRCh37 (hg19) VCF-style: chr5-89941743-T-C.
Identifiers: ClinVar variation 670352 (VCV000670352.1), dbSNP rs2366776, ClinGen allele CA3339044.

ClinVar aggregate classification (germline): Benign (1 of 4 stars; one submission).

Allele frequency attached by ClinVar (database versions not stated): ESP Exome Variant Server 0.18186; gnomAD 0.18621 and 0.19093; TOPMed 0.18980; 1000 Genomes Project 30x 0.24500; 1000 Genomes Project 0.24960.
gnomAD v4.1: 260,348 of 1,464,050 alleles (18%); highest among the groups gnomAD compares: East Asian, 38%; 24,951 homozygotes.

Submission:

GeneDx
Classification: Benign. Last evaluated: 2018-06-14. Review status: criteria provided, single submitter. Criteria: GeneDx Variant Classification (06012015). Collection method: clinical testing. Allele origin: germline. Affected: yes.
Comment: This variant is considered likely benign or benign based on one or more of the following criteria: it is a conservative change, it occurs at a poorly conserved position in the protein, it is predicted to be benign by multiple in silico algorithms, and/or has population frequency not consistent with disease.